The following is an entry in ClinVar:

NM_001754.5(RUNX1):c.397_399del (p.Met133del)

Genes: RUNX1 (RUNX family transcription factor 1; minus strand), RUNX1-AS1 (RUNX1 antisense RNA 1; plus strand). Cytogenetic location: 21q22.12.
Variant type: Deletion.
Coding change: c.397_399del on transcript NM_001754.5 (MANE Select); coding-DNA positions 397 to 399, 3 bases deleted (ATG; older notation c.397_399delATG).
Protein change: p.Met133del; deletes methionine 133.
Molecular consequence: inframe indel (on NM_001754.4).
Genome position (GRCh38, 1-based): chr21:34,880,666-34,880,668, CAT deleted on the plus strand (ATG on the coding strand, the reverse complement: RUNX1 is on the minus strand); deleting any 3 consecutive bases within chr21:34,880,666-34,880,670 gives the same sequence; the c. name uses the placement nearest the transcript's 3' end. VCF-style (leftmost placement, unchanged base first): chr21-34880665-CCAT-C. GRCh37 (hg19) VCF-style: chr21-36252962-CCAT-C.
Other names: NM_001754.5(RUNX1):c.397_399del; p.Met133del; c.397_399delATG (NM_001754.4); c.316_318del, p.Met106del (NM_001001890.3, NM_001122607.2); short protein forms M106del, M133del.
Identifiers: ClinVar variation 4158192 (VCV004158192.2).

ClinVar aggregate classification (germline): Uncertain significance. Review status: reviewed by expert panel (3 of 4 stars). 2 submissions from 2 submitters: Uncertain significance (1). 1 of the submissions does not count toward it. Last evaluated 2026-05-27.

Conditions:
Hereditary thrombocytopenia and hematologic cancer predisposition syndrome. Identifiers: Orphanet 71290, MedGen CN281654, MONDO:0011071.
Inborn genetic diseases. Identifiers: MedGen C0950123, MeSH D030342.

Submissions (2):

ClinGen Myeloid Malignancy Variant Curation Expert Panel
Classification: Uncertain significance for Hereditary thrombocytopenia and hematologic cancer predisposition syndrome. Last evaluated: 2026-05-27. Review status: reviewed by expert panel. Criteria: ClinGen MyeloMalig ACMG Specifications V3.1. Collection method: curation. Allele origin: germline. Inheritance: Autosomal dominant inheritance.
Comment: NM_001754.5(RUNX1):c.397_399del (p.Met133del) is an in-frame deletion variant which affects a residue (M133) within the RHD (PM4_Supporting). This variant is completely absent from all population databases with at least 20x coverage for RUNX1 (PM2_Supporting). In summary, the clinical significance of this variant is uncertain. ACMG/AMP criteria applied, as specified by the Myeloid Malignancy Variant Curation Expert Panel for RUNX1: PM4_Supporting, PM2_Supporting.

Ambry Genetics
Classification: Uncertain significance for Inborn genetic diseases. Last evaluated: 2025-07-23. Review status: criteria provided, single submitter. Criteria: Ambry Variant Classification Scheme 2023. Collection method: clinical testing. Allele origin: germline. Not counted in ClinVar's aggregate classification.
Comment: The c.397_399delATG variant (also known as p.M133del) is located in coding exon 4 of the RUNX1 gene. This variant results from an in-frame ATG deletion at nucleotide positions 397 to 399. This results in the in-frame deletion of a methionine at codon 133. This amino acid position is highly conserved in available vertebrate species. In addition, this variant is predicted to be deleterious by in silico analysis (Choi Y et al. PLoS ONE. 2012; 7(10):e46688). Based on the available evidence, the clinical significance of this variant remains unclear.